The following is an entry in ClinVar:

NM_006767.4(LZTR1):c.319A>C (p.Arg107=)

Gene: LZTR1 (leucine zipper like post translational regulator 1; plus strand). Cytogenetic location: 22q11.21.
Variant type: single nucleotide variant.
Coding change: c.319A>C on transcript NM_006767.4 (MANE Select); coding-DNA position 319, A replaced by C.
Protein change: p.Arg107=; no amino-acid change (arginine 107 retained).
Molecular consequence: synonymous variant.
Genome position (GRCh38, 1-based): chr22:20,985,896, A>C. VCF-style: chr22-20985896-A-C. GRCh37 (hg19) VCF-style: chr22-21340185-A-C.
Identifiers: ClinVar variation 3625203 (VCV003625203.2).
Genomic context (GRCh38, chr22:20,985,896, plus strand): 5'-TTCAGGAAGACCATGCTCAATGACCTCCTGCGGTTCGATGTGAAAGACTGCTCCTGGTGC[A>C]GGTGGGTGGCCCCGTGCTCCAGGGCCCTGCCTTTCCTCCTAGAACACAGTGGCACAGTGC-3'
Protein context (NP_006758.2, residues 97-117): RFDVKDCSWC[Arg107=]AFTTGTPPAP

ClinVar aggregate classification (germline): Uncertain significance (1 of 4 stars; one submission).

Submission:

Labcorp Genetics (formerly Invitae), Labcorp
Classification: Uncertain significance. Last evaluated: 2024-07-30. Review status: criteria provided, single submitter. Criteria: Invitae Variant Classification Sherloc (09022015). Collection method: clinical testing. Allele origin: germline.
Comment: This sequence change affects codon 107 of the LZTR1 mRNA. It is a 'silent' change, meaning that it does not change the encoded amino acid sequence of the LZTR1 protein. It affects a nucleotide within the consensus splice site. This variant is not present in population databases (gnomAD no frequency). This variant has not been reported in the literature in individuals affected with LZTR1-related conditions. Algorithms developed to predict the effect of sequence changes on RNA splicing suggest that this variant may disrupt the consensus splice site. In summary, the available evidence is currently insufficient to determine the role of this variant in disease. Therefore, it has been classified as a Variant of Uncertain Significance.